The following is an entry in ClinVar:

ClinVar aggregate classification (germline): Uncertain significance (1 of 4 stars; one submission).

Conditions:
Cystic fibrosis (CF). Also called: MUCOVISCIDOSIS. Identifiers: Orphanet 586, MedGen C0010674, MONDO:0009061, OMIM 219700. Disease mechanism: loss of function.

Submission:

Ambry Genetics
Classification: Uncertain significance for Cystic fibrosis. Last evaluated: 2025-11-21. Review status: criteria provided, single submitter. Criteria: Ambry Variant Classification Scheme 2023. Collection method: clinical testing. Allele origin: germline.
Comment: The p.F1110L variant (also known as c.3330C>A), located in coding exon 20 of the CFTR gene, results from a C to A substitution at nucleotide position 3330. The phenylalanine at codon 1110 is replaced by leucine, an amino acid with highly similar properties. This amino acid position is highly conserved in available vertebrate species. In addition, this alteration is predicted to be deleterious by in silico analysis. Based on the available evidence, the clinical significance of this variant remains unclear.

NM_000492.4(CFTR):c.3330C>A (p.Phe1110Leu)

Genes: CFTR (CF transmembrane conductance regulator; plus strand), CFTR-AS2 (CFTR antisense RNA 2; minus strand), LOC111674472 (DNase I hypersensitive sites in introns 16 and 17a of CFTR; plus strand). Cytogenetic location: 7q31.2.
Variant type: single nucleotide variant.
Coding change: c.3330C>A on transcript NM_000492.4 (MANE Select); coding-DNA position 3330, C replaced by A.
Protein change: p.Phe1110Leu; replaces phenylalanine 1110 with leucine.
Molecular consequence: missense variant.
Genome position (GRCh38, 1-based): chr7:117,611,771, C>A. VCF-style: chr7-117611771-C-A. GRCh37 (hg19) VCF-style: chr7-117251825-C-A.
Other names: short protein forms F1110L.
Identifiers: ClinVar variation 4650609 (VCV004650609.1).